The following is an entry in ClinVar:

NM_004934.5(CDH18):c.1941A>C (p.Ser647=)

Gene: CDH18 (cadherin 18; minus strand). Cytogenetic location: 5p14.3.
Variant type: single nucleotide variant.
Coding change: c.1941A>C on transcript NM_004934.5 (MANE Select); coding-DNA position 1941, A replaced by C.
Protein change: p.Ser647=; no amino-acid change (serine 647 retained).
Molecular consequence: synonymous variant. On other transcripts: 3 prime UTR variant (4).
Genome position (GRCh38, 1-based): chr5:19,473,658, T>G on the plus strand (A>C on the coding strand, the complement: CDH18 is on the minus strand). VCF-style: chr5-19473658-T-G. GRCh37 (hg19) VCF-style: chr5-19473767-T-G.
Other names: c.*107A>C (NM_001167667.3, NM_001291957.2, NM_001349560.2 and 1 more transcripts); c.1941A>C, p.Ser647= (NM_001291956.3, NM_001349556.2, NM_001349558.2 and 1 more transcripts); c.1272A>C, p.Ser424= (NM_001349562.2, NM_001349563.2).
Identifiers: ClinVar variation 3044783 (VCV003044783.2), dbSNP rs751281107, ClinGen allele CA115271960.

ClinVar aggregate classification (germline): Likely benign (0 of 4 stars; one submission).

Conditions:
CDH18-related disorder. Also called: CDH18-related condition.

gnomAD v4.1: 11 of 1,613,752 alleles (0.00068%); highest among the groups gnomAD compares: Non-Finnish European, 0.00093%; no homozygotes.

Submission:

PreventionGenetics, part of Exact Sciences
Classification: Likely benign for CDH18-related condition. Last evaluated: 2023-08-29. Review status: no assertion criteria provided. Collection method: clinical testing. Allele origin: germline.
Comment: This variant is classified as likely benign based on ACMG/AMP sequence variant interpretation guidelines (Richards et al. 2015 PMID: 25741868, with internal and published modifications).